The following is an entry in ClinVar:

NM_000138.5(FBN1):c.3589G>A (p.Asp1197Asn)

Gene: FBN1 (fibrillin 1; minus strand). Cytogenetic location: 15q21.1.
Variant type: single nucleotide variant.
Coding change: c.3589G>A on transcript NM_000138.5 (MANE Select); coding-DNA position 3589, G replaced by A.
Protein change: p.Asp1197Asn; replaces aspartic acid 1197 with asparagine.
Molecular consequence: missense variant.
Genome position (GRCh38, 1-based): chr15:48,487,075, C>T on the plus strand (G>A on the coding strand, the complement: FBN1 is on the minus strand). VCF-style: chr15-48487075-C-T. GRCh37 (hg19) VCF-style: chr15-48779272-C-T.
Other names: NM_000138.5(FBN1):c.3589G>A; short protein forms D1197N.
Identifiers: ClinVar variation 42339 (VCV000042339.12), dbSNP rs397515793, ClinGen allele CA014319.

ClinVar aggregate classification (germline): Likely pathogenic. Review status: reviewed by expert panel (3 of 4 stars). 4 submissions from 4 submitters: Likely pathogenic (1). 3 of the submissions do not count toward it. Last evaluated 2024-05-23.

Conditions:
Familial thoracic aortic aneurysm and aortic dissection (TAAD). Also called: Thoracic aortic aneurysms and dissections. Identifiers: Orphanet 91387, MedGen C4707243, MONDO:0019625.
Marfan syndrome (MFS). Also called: FBN1-Related Marfan Syndrome; Marfan syndrome type 1; Marfan's syndrome; Marfan syndrome, classic; MARFAN SYNDROME, TYPE I. Identifiers: Orphanet 284963, Orphanet 558, MedGen C0024796, MONDO:0007947, OMIM 154700.

Submissions (4):

ClinGen FBN1 Variant Curation Expert Panel, ClinGen
Classification: Likely pathogenic for Marfan syndrome. Last evaluated: 2024-05-23. Review status: reviewed by expert panel. Criteria: Assertion Criteria VCEP FBN1 Version 1. Collection method: curation. Allele origin: germline. Inheritance: Autosomal dominant inheritance.
Comment: The NM_00138 c.3589G>A is a missense variant in FBN1 predicted to cause a substitution of an aspartic acid by asparagine at amino acid 1197 (p.Asp1197Asn). This variant impacts the first aspartic acid within a calcium-binding (cb) (D/N)-X-(D/N)-(E/Q)-Xm-(D/N)-Xn-(Y/F) consensus sequence of a cbEGF-like domain (PM1). This variant was identified in two unrelated pediatric probands with a clinical diagnosis of Marfan syndrome (MFS), and was found to be de novo without confirmation of paternity and maternity (internal lab data, PM6, PP4, PS4_Sup). This variant has been reported three times in ClinVar: once as likely pathogenic, and twice as uncertain significance (Variation ID: 42339). This variant is not present in gnomAD (PM2_sup; v2.1.1). A different missense variant at this position, c.3589G>C p.Asp1197His, has previously been previously established as (likely) pathogenic and was reported as de novo in an individual with Marfan syndrome (PMID 19293843, PM5). Computational prediction tools and conservation analysis suggest that this variant may impact the protein (REVEL: 0.772, PP3). This variant is located in the last nucleotide of the exon. In silico prediction programs predict that this variant may disrupt RNA splicing (PP3). The constraint z-score for missense variants affecting FBN1 is 5.06 (PP2). In summary, this variant meets criteria to be classified as likely pathogenic for Marfan syndrome based on the ACMG/AMP criteria applied, as specified by the ClinGen FBN1 VCEP: PM1, PM5, PM6, PS4_Sup, PM2_Sup, PP2, PP3, PP4.

Labcorp Genetics (formerly Invitae), Labcorp
Classification: Uncertain significance for Marfan syndrome; Familial thoracic aortic aneurysm and aortic dissection. Last evaluated: 2022-05-28. Review status: criteria provided, single submitter. Criteria: Invitae Variant Classification Sherloc (09022015). Collection method: clinical testing. Allele origin: germline. Not counted in ClinVar's aggregate classification.
Comment: Algorithms developed to predict the effect of missense changes on protein structure and function are either unavailable or do not agree on the potential impact of this missense change (SIFT: "Deleterious"; PolyPhen-2: "Probably Damaging"; Align-GVGD: "Class C15"). ClinVar contains an entry for this variant (Variation ID: 42339). This variant has not been reported in the literature in individuals affected with FBN1-related conditions. This variant is not present in population databases (gnomAD no frequency). This sequence change replaces aspartic acid, which is acidic and polar, with asparagine, which is neutral and polar, at codon 1197 of the FBN1 protein (p.Asp1197Asn). This variant also falls at the last nucleotide of exon 29, which is part of the consensus splice site for this exon. In summary, the available evidence is currently insufficient to determine the role of this variant in disease. Therefore, it has been classified as a Variant of Uncertain Significance. This variant disrupts the c.3589G nucleotide in the FBN1 gene. Other variant(s) that disrupt this nucleotide have been determined to be pathogenic (PMID: 19293843). This suggests that this nucleotide is clinically significant, and that variants that disrupt this position are likely to be disease-causing. Variants that disrupt the consensus splice site are a relatively common cause of aberrant splicing (PMID: 17576681, 9536098). Algorithms developed to predict the effect of sequence changes on RNA splicing suggest that this variant may create or strengthen a splice site.

CHEO Genetics Diagnostic Laboratory, Children's Hospital of Eastern Ontario
Classification: Likely pathogenic for Familial thoracic aortic aneurysm and aortic dissection. Last evaluated: 2020-06-19. Review status: criteria provided, single submitter. Criteria: ACMG Guidelines, 2015. Collection method: clinical testing. Allele origin: germline. Not counted in ClinVar's aggregate classification.

Laboratory for Molecular Medicine, Mass General Brigham Personalized Medicine
Classification: Uncertain significance. Last evaluated: 2011-09-30. Review status: criteria provided, single submitter. Criteria: LMM Criteria. Collection method: clinical testing. Allele origin: germline. Inheritance: Autosomal dominant inheritance. Observed: 1 variant allele. Not counted in ClinVar's aggregate classification.
Comment: Variant classified as Uncertain Significance - Favor Pathogenic. The Asp1197Asn variant has not been reported in the literature nor identified by our laboratory . The amino acid aspartic acid (Asp) at position 1197 is highly conserved acros s evolutionarily distant species, suggesting that a change may not be tolerated. Computational analysis (AlignGVGD, SIFT, PolyPhen2) provide conflicting inform ation regarding the pathogenicity of this variant. In addition, nucleotide posit ion 3589 is the last nucleotide before the 5' donor splice site, but it is uncle ar if a change to this base would affect splicing. In the absence of additional information, such as control data, segregation studies, or functional analysis, the clinical significance of this variant cannot be determined at this time.

Literature cited by the submitters: PubMed 19293843 (cited by Labcorp Genetics (formerly Invitae), Labcorp); PubMed 17576681 (cited by Labcorp Genetics (formerly Invitae), Labcorp); PubMed 9536098 (cited by Labcorp Genetics (formerly Invitae), Labcorp).